The following is an entry in ClinVar:

NM_001374828.1(ARID1B):c.3299_3301del (p.Ala1100del)

Gene: ARID1B (AT-rich interaction domain 1B; plus strand). Cytogenetic location: 6q25.3.
Variant type: Deletion.
Coding change: c.3299_3301del on transcript NM_001374828.1 (MANE Select); coding-DNA positions 3299 to 3301, 3 bases deleted (CAG; older notation c.3299_3301delCAG).
Protein change: p.Ala1100del; deletes alanine 1100.
Molecular consequence: inframe deletion.
Genome position (GRCh38, 1-based): chr6:157,174,071-157,174,073, CAG deleted; deleting any 3 consecutive bases within chr6:157,174,069-157,174,073 gives the same sequence; the c. name uses the placement nearest the transcript's 3' end. VCF-style (leftmost placement, unchanged base first): chr6-157174068-AAGC-A. GRCh37 (hg19) VCF-style: chr6-157495202-AAGC-A.
Other names: c.800_802del, p.Ala267del (NM_001363725.2); c.3338_3340del, p.Ala1113del (NM_001371656.1, NM_001374820.1); c.3299_3301del, p.Ala1100del (NM_017519.3); c.3089_3091del (NM_020732.3); short protein forms A1100del, A1113del, A267del.
Identifiers: ClinVar variation 3898853 (VCV003898853.1).

ClinVar aggregate classification (germline): Uncertain significance (1 of 4 stars; one submission).

Submission:

GeneDx
Classification: Uncertain significance. Last evaluated: 2024-11-10. Review status: criteria provided, single submitter. Criteria: GeneDx Variant Classification Process June 2021. Collection method: clinical testing. Allele origin: germline. Affected: yes.
Comment: In-frame deletion of 1 amino acid(s) in a non-repeat region; In silico analysis supports a deleterious effect on protein structure/function; Has not been previously published as pathogenic or benign to our knowledge